The following is an entry in ClinVar:

NM_024422.6(DSC2):c.2509-22G>A

Gene: DSC2 (desmocollin 2; minus strand). Cytogenetic location: 18q12.1.
Variant type: single nucleotide variant.
Coding change: c.2509-22G>A on transcript NM_024422.6 (MANE Select); 22 bases into the intron before coding-DNA position 2509, G replaced by A.
Molecular consequence: intron variant.
Genome position (GRCh38, 1-based): chr18:31,068,234, C>T on the plus strand (G>A on the coding strand, the complement: DSC2 is on the minus strand). VCF-style: chr18-31068234-C-T. GRCh37 (hg19) VCF-style: chr18-28648200-C-T.
Other names: c.11-22G>A (NM_004949.5).
Identifiers: ClinVar variation 673650 (VCV000673650.2), dbSNP rs1790682, ClinGen allele CA029985.

ClinVar aggregate classification (germline): Benign. Review status: criteria provided, multiple submitters, no conflicts (2 of 4 stars). 2 submissions from 2 submitters: Benign (2). Last evaluated 2018-06-19.

Allele frequency attached by ClinVar (database versions not stated): 1000 Genomes Project 0.01997; 1000 Genomes Project 30x 0.02046; ExAC 0.03533; gnomAD 0.03664 and 0.03795; TOPMed 0.03851; ESP Exome Variant Server 0.04459.

Submissions (2):

GeneDx
Classification: Benign. Last evaluated: 2018-06-19. Review status: criteria provided, single submitter. Criteria: GeneDx Variant Classification (06012015). Collection method: clinical testing. Allele origin: germline. Affected: yes.
Comment: This variant is considered likely benign or benign based on one or more of the following criteria: it is a conservative change, it occurs at a poorly conserved position in the protein, it is predicted to be benign by multiple in silico algorithms, and/or has population frequency not consistent with disease.

Breakthrough Genomics
Classification: Benign. Review status: criteria provided, single submitter. Criteria: ACMG Guidelines, 2015. Collection method: not provided. Allele origin: germline. Inheritance: Autosomal dominant inheritance. Affected: yes.